The following is an entry in ClinVar:

ClinVar aggregate classification (germline): Uncertain significance (1 of 4 stars; one submission).

Allele frequency attached by ClinVar (database versions not stated): gnomAD exomes below 0.00001; ExAC 0.00001.
gnomAD v4.1: 3 of 1,614,218 alleles (0.00019%); highest among the groups gnomAD compares: South Asian, 0.0033%; no homozygotes.

Submission:

Labcorp Genetics (formerly Invitae), Labcorp
Classification: Uncertain significance. Last evaluated: 2022-11-06. Review status: criteria provided, single submitter. Criteria: Invitae Variant Classification Sherloc (09022015). Collection method: clinical testing. Allele origin: germline.
Comment: This sequence change replaces glycine, which is neutral and non-polar, with alanine, which is neutral and non-polar, at codon 2186 of the TRRAP protein (p.Gly2186Ala). In summary, the available evidence is currently insufficient to determine the role of this variant in disease. Therefore, it has been classified as a Variant of Uncertain Significance. Advanced modeling of protein sequence and biophysical properties (such as structural, functional, and spatial information, amino acid conservation, physicochemical variation, residue mobility, and thermodynamic stability) performed at Invitae indicates that this missense variant is not expected to disrupt TRRAP protein function. This variant has not been reported in the literature in individuals affected with TRRAP-related conditions. This variant is present in population databases (rs765247846, gnomAD 0.003%).

NM_001375524.1(TRRAP):c.6632G>C (p.Gly2211Ala)

Gene: TRRAP (transformation/transcription domain associated protein; plus strand). Cytogenetic location: 7q22.1.
Variant type: single nucleotide variant.
Coding change: c.6632G>C on transcript NM_001375524.1 (MANE Select); coding-DNA position 6632, G replaced by C.
Protein change: p.Gly2211Ala; replaces glycine 2211 with alanine.
Molecular consequence: missense variant.
Genome position (GRCh38, 1-based): chr7:98,961,403, G>C. VCF-style: chr7-98961403-G-C. GRCh37 (hg19) VCF-style: chr7-98559026-G-C.
Other names: c.6611G>C, p.Gly2204Ala (NM_001244580.2); c.6557G>C, p.Gly2186Ala (NM_003496.4); short protein forms G2204A, G2211A, G2186A.
Identifiers: ClinVar variation 2794047 (VCV002794047.3), dbSNP rs765247846, ClinGen allele CA4360922.